The following is an entry in ClinVar:

ClinVar aggregate classification (germline): Uncertain significance (1 of 4 stars; one submission).

Conditions:
Inclusion body myopathy with early-onset Paget disease with or without frontotemporal dementia 2 (IBMPFD2). Also called: MULTISYSTEM PROTEINOPATHY 2. Identifiers: MedGen C3809468, MONDO:0014178, OMIM 615422.

Allele frequency attached by ClinVar (database versions not stated): gnomAD 0.00001; TOPMed 0.00001.
gnomAD v4.1: 2 of 1,612,366 alleles (0.00012%); highest among the groups gnomAD compares: Non-Finnish European, 0.00017%; no homozygotes.

Submission:

Labcorp Genetics (formerly Invitae), Labcorp
Classification: Uncertain significance for Inclusion body myopathy with early-onset Paget disease with or without frontotemporal dementia 2. Last evaluated: 2025-10-02. Review status: criteria provided, single submitter. Criteria: Invitae Variant Classification Sherloc (09022015). Collection method: clinical testing. Allele origin: germline.
Comment: This sequence change replaces tyrosine, which is neutral and polar, with phenylalanine, which is neutral and non-polar, at codon 313 of the HNRNPA2B1 protein (p.Tyr313Phe). This variant is not present in population databases (gnomAD no frequency). This variant has not been reported in the literature in individuals affected with HNRNPA2B1-related conditions. ClinVar contains an entry for this variant (Variation ID: 1441499). An algorithm developed to predict the effect of missense changes on protein structure and function (PolyPhen-2) suggests that this variant is likely to be tolerated. In summary, the available evidence is currently insufficient to determine the role of this variant in disease. Therefore, it has been classified as a Variant of Uncertain Significance.

NM_002137.4(HNRNPA2B1):c.902A>T (p.Tyr301Phe)

Gene: HNRNPA2B1 (heterogeneous nuclear ribonucleoprotein A2/B1; minus strand). Cytogenetic location: 7p15.2.
Variant type: single nucleotide variant.
Coding change: c.902A>T on transcript NM_002137.4 (MANE Select); coding-DNA position 902, A replaced by T.
Protein change: p.Tyr301Phe; replaces tyrosine 301 with phenylalanine.
Molecular consequence: missense variant.
Genome position (GRCh38, 1-based): chr7:26,193,313, T>A on the plus strand (A>T on the coding strand, the complement: HNRNPA2B1 is on the minus strand). VCF-style: chr7-26193313-T-A. GRCh37 (hg19) VCF-style: chr7-26232933-T-A.
Other names: c.938A>T, p.Tyr313Phe (NM_031243.4); short protein forms Y301F, Y313F.
Identifiers: ClinVar variation 1441499 (VCV001441499.6), dbSNP rs573171238, ClinGen allele CA155908793.